The following is an entry in ClinVar:

NM_001368809.2(AMPD2):c.247G>T (p.Glu83Ter)

Gene: AMPD2 (adenosine monophosphate deaminase 2; plus strand). Cytogenetic location: 1p13.3.
Variant type: single nucleotide variant.
Coding change: c.247G>T on transcript NM_001368809.2 (MANE Select); coding-DNA position 247, G replaced by T.
Protein change: p.Glu83Ter; replaces glutamic acid 83 with a stop codon.
Molecular consequence: nonsense.
Genome position (GRCh38, 1-based): chr1:109,625,686, G>T. VCF-style: chr1-109625686-G-T. GRCh37 (hg19) VCF-style: chr1-110168308-G-T.
Other names: c.55G>T, p.Glu19Ter (NM_001257361.2); c.184G>T, p.Glu62Ter (NM_001308170.1); c.247G>T, p.Glu83Ter (NM_004037.9); c.166G>T, p.Glu56Ter (NM_139156.4); short protein forms E19*, E56*, E62*, E83*.
Identifiers: ClinVar variation 1098293 (VCV001098293.1), dbSNP rs2101154713, ClinGen allele CA341554130.

ClinVar aggregate classification (germline): Pathogenic (1 of 4 stars; one submission).

Conditions:
Pontocerebellar hypoplasia type 9. Identifiers: Orphanet 369920, MedGen C4014354, MONDO:0014351, OMIM 615809.

Submission:

Genetics and Prenatal Diagnosis Center, The First Affiliated Hospital of Zhengzhou University
Classification: Pathogenic for Pontocerebellar hypoplasia type 9. Last evaluated: 2021-05-13. Review status: criteria provided, single submitter. Criteria: ACMG Guidelines, 2015. Collection method: clinical testing. Allele origin: germline. Affected: yes.